The following is an entry in ClinVar:

NM_006060.6(IKZF1):c.1298G>A (p.Arg433His)

Gene: IKZF1 (IKAROS family zinc finger 1; plus strand). Cytogenetic location: 7p12.2.
Variant type: single nucleotide variant.
Coding change: c.1298G>A on transcript NM_006060.6 (MANE Select); coding-DNA position 1298, G replaced by A.
Protein change: p.Arg433His; replaces arginine 433 with histidine.
Molecular consequence: missense variant.
Genome position (GRCh38, 1-based): chr7:50,400,365, G>A. VCF-style: chr7-50400365-G-A. GRCh37 (hg19) VCF-style: chr7-50468063-G-A.
Other names: c.1172G>A, p.Arg391His (NM_001220765.3, NM_001291837.2); c.1007G>A, p.Arg336His (NM_001220767.2); c.1037G>A, p.Arg346His (NM_001220768.2, NM_001291838.2); c.881G>A, p.Arg294His (NM_001220770.2); c.869G>A, p.Arg290His (NM_001220771.2, NM_001291841.1); c.911G>A, p.Arg304His (NM_001291839.2); c.608G>A, p.Arg203His (NM_001291840.1); c.839G>A, p.Arg280His (NM_001291842.1); and 3 more; short protein forms R203H, R238H, R248H, R280H, R290H, R294H, R304H, R336H.
Identifiers: ClinVar variation 2637125 (VCV002637125.1), dbSNP rs2153519127, ClinGen allele CA367524860.

ClinVar aggregate classification (germline): Uncertain significance (1 of 4 stars; one submission).

Conditions:
IKZF1-related disorder. Also called: IKZF1-related condition.

Allele frequency attached by ClinVar (database versions not stated): gnomAD exomes 0.00001.
gnomAD v4.1: 8 of 1,613,042 alleles (0.0005%); highest among the groups gnomAD compares: Non-Finnish European, 0.00068%; no homozygotes.

Submission:

PreventionGenetics, part of Exact Sciences
Classification: Uncertain significance for IKZF1-related condition. Last evaluated: 2022-11-10. Review status: criteria provided, single submitter. Criteria: ACMG Guidelines, 2015. Collection method: clinical testing. Allele origin: germline.
Comment: The IKZF1 c.1298G>A variant is predicted to result in the amino acid substitution p.Arg433His. To our knowledge, this variant has not been reported in the literature or in a large population database, indicating this variant is rare. At this time, the clinical significance of this variant is uncertain due to the absence of conclusive functional and genetic evidence.